The following is an entry in ClinVar:

ClinVar aggregate classification (germline): Uncertain significance (1 of 4 stars; one submission).

Conditions:
Gastrointestinal stromal tumor. Also called: Gastrointestinal stromal tumor, somatic; Gastrointestinal stroma tumor. Identifiers: Orphanet 44890, MedGen C0238198, MeSH D046152, MONDO:0011719, OMIM 606764, HP:0100723.
Pheochromocytoma/paraganglioma syndrome 3. Also called: GLOMUS TUMORS, FAMILIAL, 3; Paragangliomas 3; SDHC-Related Hereditary Paraganglioma-Pheochromocytoma Syndrome (Paragangliomas 3); SDHC-Related Hereditary Paraganglioma-Pheochromocytoma Syndrome. Identifiers: Orphanet 29072, MedGen C1854336, MONDO:0011544, OMIM 605373.

Submission:

Labcorp Genetics (formerly Invitae), Labcorp
Classification: Uncertain significance for Pheochromocytoma/paraganglioma syndrome 3; Gastrointestinal stromal tumor. Last evaluated: 2024-04-24. Review status: criteria provided, single submitter. Criteria: Invitae Variant Classification Sherloc (09022015). Collection method: clinical testing. Allele origin: germline.
Comment: This sequence change replaces proline, which is neutral and non-polar, with serine, which is neutral and polar, at codon 146 of the SDHC protein (p.Pro146Ser). This variant is not present in population databases (gnomAD no frequency). This variant has not been reported in the literature in individuals affected with SDHC-related conditions. Algorithms developed to predict the effect of missense changes on protein structure and function output the following: SIFT: "Not Available"; PolyPhen-2: "Benign"; Align-GVGD: "Not Available". The serine amino acid residue is found in multiple mammalian species, which suggests that this missense change does not adversely affect protein function. In summary, the available evidence is currently insufficient to determine the role of this variant in disease. Therefore, it has been classified as a Variant of Uncertain Significance.

NM_003001.5(SDHC):c.436C>T (p.Pro146Ser)

Gene: SDHC (succinate dehydrogenase complex subunit C; plus strand). Cytogenetic location: 1q23.3.
Variant type: single nucleotide variant.
Coding change: c.436C>T on transcript NM_003001.5 (MANE Select); coding-DNA position 436, C replaced by T.
Protein change: p.Pro146Ser; replaces proline 146 with serine.
Molecular consequence: missense variant. On other transcripts: non-coding transcript variant (1).
Genome position (GRCh38, 1-based): chr1:161,362,359, C>T. VCF-style: chr1-161362359-C-T. GRCh37 (hg19) VCF-style: chr1-161332149-C-T.
Other names: c.272C>T, p.Ser91Phe (NM_001035511.3); c.334C>T, p.Pro112Ser (NM_001035512.3); c.277C>T, p.Pro93Ser (NM_001035513.3); c.170C>T, p.Ser57Phe (NM_001278172.3); c.556C>T, p.Pro186Ser (NM_001407115.1); c.379C>T, p.Pro127Ser (NM_001407116.1); c.373C>T, p.Pro125Ser (NM_001407117.1); c.328C>T, p.Pro110Ser (NM_001407118.1); and 2 more; short protein forms P109S, P110S, P112S, P125S, P127S, P146S, P186S, P93S.
Identifiers: ClinVar variation 3761342 (VCV003761342.2).